The following is an entry in ClinVar:

NM_005529.7(HSPG2):c.8961C>T (p.Gly2987=)

Gene: HSPG2 (heparan sulfate proteoglycan 2; minus strand). Cytogenetic location: 1p36.12.
Variant type: single nucleotide variant.
Coding change: c.8961C>T on transcript NM_005529.7 (MANE Select); coding-DNA position 8961, C replaced by T.
Protein change: p.Gly2987=; no amino-acid change (glycine 2987 retained).
Molecular consequence: synonymous variant.
Genome position (GRCh38, 1-based): chr1:21,842,330, G>A on the plus strand (C>T on the coding strand, the complement: HSPG2 is on the minus strand). VCF-style: chr1-21842330-G-A. GRCh37 (hg19) VCF-style: chr1-22168823-G-A.
Other names: c.8964C>T, p.Gly2988= (NM_001291860.2).
Identifiers: ClinVar variation 284368 (VCV000284368.29), dbSNP rs369899077, ClinGen allele CA670601.
Genomic context (GRCh38, chr1:21,842,330, plus strand): 5'-GACTGTGAAGGAGGCTTCTTGCTCAGGGCCTGGGCCGCTGGCTGCACGACACACATACTC[G>A]CCTGAGTCGGCAGGGGAGACGAGGTGGAGCCGCAGCTGGGAGCCATGGGTCTGTCAGAGC-3'
Protein context (NP_005520.4, residues 2977-2997): RLHLVSPADS[Gly2987=]EYVCRAASGP

ClinVar aggregate classification (germline): Conflicting classifications of pathogenicity. Review status: criteria provided, conflicting classifications (1 of 4 stars). 8 submissions from 7 submitters: Uncertain significance (7); Likely benign (1). Last evaluated 2026-05-18.

Conditions:
Lethal Kniest-like syndrome (DDSH). Also called: Dyssegmental Dysplasia. Identifiers: Orphanet 1865, MedGen C1857100, MONDO:0009140, OMIM 224410.
Schwartz-Jampel syndrome. Also called: Myotonic myopathy dwarfism chondrodystrophy and ocular and facial abnormalities. Identifiers: Orphanet 800, MedGen C0036391, MONDO:0009717.
HSPG2-related disorder. Also called: HSPG2-related condition; HSPG2-related disorders.

Allele frequency attached by ClinVar (database versions not stated): ESP Exome Variant Server 0.00015; TOPMed 0.00020; gnomAD 0.00027 and 0.00028; gnomAD exomes 0.00029; ExAC 0.00033.
gnomAD v4.1: 557 of 1,611,692 alleles (0.035%); highest among the groups gnomAD compares: Non-Finnish European, 0.042%; 2 homozygotes.

Submissions (8):

PreventionGenetics, part of Exact Sciences
Classification: Uncertain significance for HSPG2-related condition. Last evaluated: 2026-05-18. Review status: criteria provided, single submitter. Criteria: ACMG Guidelines, 2015. Collection method: clinical testing. Allele origin: germline.
Comment: The HSPG2 c.8961C>T variant is not predicted to result in an amino acid change (p.=). This variant is predicted to alter splicing based on available splicing prediction software (Alamut Visual Plus v1.6.1; SpliceAI, Jaganathan et al. 2019. PubMed ID: 30661751). To our knowledge, this variant has not been reported in the literature. This variant is reported in 0.042% of alleles in individuals of European (Non-Finnish) descent in gnomAD. At this time, the clinical significance of this variant is uncertain due to the absence of conclusive functional and genetic evidence.

Labcorp Genetics (formerly Invitae), Labcorp
Classification: Likely benign. Last evaluated: 2025-06-03. Review status: criteria provided, single submitter. Criteria: Invitae Variant Classification Sherloc (09022015). Collection method: clinical testing. Allele origin: germline.

GeneDx
Classification: Uncertain significance. Last evaluated: 2024-12-11. Review status: criteria provided, single submitter. Criteria: GeneDx Variant Classification Process June 2021. Collection method: clinical testing. Allele origin: germline. Affected: yes.
Comment: In silico analysis supports a deleterious effect on splicing; Has not been previously published as pathogenic or benign to our knowledge

Revvity Omics, Revvity
Classification: Uncertain significance. Last evaluated: 2020-07-08. Review status: criteria provided, single submitter. Criteria: ACMG Guidelines, 2015. Collection method: clinical testing. Allele origin: germline.

Illumina Laboratory Services, Illumina
Classification: Uncertain significance for Lethal Kniest-like syndrome. Last evaluated: 2018-01-13. Review status: criteria provided, single submitter. Criteria: ICSL Variant Classification Criteria 13 December 2019. Collection method: clinical testing. Allele origin: germline.

Illumina Laboratory Services, Illumina
Classification: Uncertain significance for Schwartz-Jampel syndrome type 1. Last evaluated: 2018-01-13. Review status: criteria provided, single submitter. Criteria: ICSL Variant Classification Criteria 13 December 2019. Collection method: clinical testing. Allele origin: germline.

ARUP Laboratories, Molecular Genetics and Genomics, ARUP Laboratories
Classification: Uncertain significance. Last evaluated: 2017-10-23. Review status: criteria provided, single submitter. Criteria: ARUP Molecular Germline Variant Investigation Process. Collection method: clinical testing. Allele origin: germline.

Eurofins Ntd Llc (ga)
Classification: Uncertain significance. Last evaluated: 2015-11-09. Review status: criteria provided, single submitter. Criteria: EGL Classification Definitions 2015. Collection method: clinical testing. Allele origin: germline. Observed: 1 variant allele, 1 heterozygote.